The following is an entry in ClinVar:

NM_006904.7(PRKDC):c.4882A>G (p.Lys1628Glu)

Gene: PRKDC (protein kinase, DNA-activated, catalytic subunit; minus strand). Cytogenetic location: 8q11.21.
Variant type: single nucleotide variant.
Coding change: c.4882A>G on transcript NM_006904.7 (MANE Select); coding-DNA position 4882, A replaced by G.
Protein change: p.Lys1628Glu; replaces lysine 1628 with glutamic acid.
Molecular consequence: missense variant.
Genome position (GRCh38, 1-based): chr8:47,881,992, T>C on the plus strand (A>G on the coding strand, the complement: PRKDC is on the minus strand). VCF-style: chr8-47881992-T-C. GRCh37 (hg19) VCF-style: chr8-48794553-T-C.
Other names: c.4882A>G, p.Lys1628Glu (NM_001081640.2); short protein forms K1628E.
Identifiers: ClinVar variation 1743798 (VCV001743798.2), dbSNP rs2551872705, ClinGen allele CA371141882.
Genomic context (GRCh38, chr8:47,881,992, plus strand): 5'-AGGCCAGCACTGCCATTTTAGTTTCGAGAGGGGAATCTTTGGCCCACCATGAATCACACT[T>C]CTTCCAGTGTTGCAGAATTGTAGTCGCAAGTTTCAGTCCTTGGTGTTTCTGGTTTGCTCG-3'
Protein context (NP_008835.5, residues 1618-1638): LATTILQHWK[Lys1628Glu]CDSWWAKDSP

ClinVar aggregate classification (germline): Uncertain significance (1 of 4 stars; one submission).

Submission:

Ambry Genetics
Classification: Uncertain significance. Last evaluated: 2022-07-14. Review status: criteria provided, single submitter. Criteria: Ambry Variant Classification Scheme 2023. Collection method: clinical testing. Allele origin: germline.
Comment: The p.K1628E variant (also known as c.4882A>G), located in coding exon 37 of the PRKDC gene, results from an A to G substitution at nucleotide position 4882. The lysine at codon 1628 is replaced by glutamic acid, an amino acid with similar properties. This amino acid position is conserved. In addition, this alteration is predicted to be tolerated by in silico analysis. Since supporting evidence is limited at this time, the clinical significance of this alteration remains unclear.